The following is an entry in ClinVar:

ClinVar aggregate classification (germline): Pathogenic (1 of 4 stars; one submission).

Conditions:
Breast-ovarian cancer, familial, susceptibility to, 1 (BROVCA1). Also called: BRCA1 Hereditary Breast and Ovarian Cancer; OVARIAN CANCER, SUSCEPTIBILITY TO. Identifiers: Orphanet 145, MedGen C2676676, MONDO:0011450, OMIM 604370. Disease mechanism: loss of function.

Submission:

Myriad Genetics, Inc.
Classification: Pathogenic for Breast-ovarian cancer, familial, susceptibility to, 1. Last evaluated: 2023-04-04. Review status: criteria provided, single submitter. Criteria: Myriad Autosomal Dominant, Autosomal Recessive and X-Linked Classification Criteria (2023). Collection method: clinical testing. Allele origin: unknown.
Comment: This variant is considered pathogenic. This variant creates a frameshift predicted to result in premature protein truncation.

NM_007294.4(BRCA1):c.3766del (p.Thr1256fs)

Genes: BRCA1 (BRCA1 DNA repair associated; minus strand), LOC126862571 (BRD4-independent group 4 enhancer GRCh37_chr17:41243136-41244335; plus strand). Cytogenetic location: 17q21.31.
Variant type: Deletion.
Coding change: c.3766del on transcript NM_007294.4 (MANE Select); coding-DNA position 3766, one base deleted (A; older notation c.3766delA).
Protein change: p.Thr1256fs; shifts the reading frame from threonine 1256.
Molecular consequence: frameshift variant. On other transcripts: intron variant (135).
Genome position (GRCh38, 1-based): chr17:43,091,765, T deleted on the plus strand (A on the coding strand, the reverse complement: BRCA1 is on the minus strand). VCF-style (leftmost placement, unchanged base first): chr17-43091764-GT-G. GRCh37 (hg19) VCF-style: chr17-41243781-GT-G.
Other names: c.3553del, p.Thr1185fs (NM_001407896.1, NM_001407897.1, NM_001407898.1 and 9 more transcripts); c.3556del, p.Thr1186fs (NM_001407900.1, NM_001407902.1, NM_001407904.1 and 13 more transcripts); c.3643del, p.Thr1215fs (NM_001407919.1, NM_001407863.1, NM_001407937.1 and 19 more transcripts); c.3502del, p.Thr1168fs (NM_001407920.1, NM_001407921.1, NM_001407922.1 and 9 more transcripts); c.662-733del (NM_001408433.1, NM_001408450.1, NM_001408434.1 and 6 more transcripts); c.785-733del (NM_001408400.1, NM_001408392.1, NM_001407986.1 and 13 more transcripts); c.665-733del (NM_001408441.1, NM_001408437.1, NM_001408429.1 and 12 more transcripts); c.788-733del (NM_001407979.1, NM_001407977.1, NM_001407982.1 and 17 more transcripts); and 41 more; short protein forms T1088fs, T1128fs, T1129fs, T1144fs, T1145fs, T1167fs, T1168fs, T1185fs.
Identifiers: ClinVar variation 2573259 (VCV002573259.1), dbSNP rs2552138123, ClinGen allele CA2580612624.